The following is an entry in ClinVar:

NM_001291415.2(KDM6A):c.3366-1G>A

Gene: KDM6A (lysine demethylase 6A; plus strand). Cytogenetic location: Xp11.3.
Variant type: single nucleotide variant.
Coding change: c.3366-1G>A on transcript NM_001291415.2 (MANE Select); the canonical splice acceptor site of the intron before coding-DNA position 3366, G replaced by A.
Molecular consequence: splice acceptor variant.
Genome position (GRCh38, 1-based): chrX:45,082,714, G>A. VCF-style: chrX-45082714-G-A. GRCh37 (hg19) VCF-style: chrX-44941959-G-A.
Other names: c.3210-1G>A (NM_021140.4); c.3108-1G>A (NM_001410742.1); c.3231-1G>A (NM_001291416.2); c.3075-1G>A (NM_001291417.2); c.2973-1G>A (NM_001291418.2); c.2322-1G>A (NM_001291421.2).
Identifiers: ClinVar variation 1066358 (VCV001066358.8), dbSNP rs1374292312, ClinGen allele CA412802997.

ClinVar aggregate classification (germline): Conflicting classifications of pathogenicity. Review status: criteria provided, conflicting classifications (1 of 4 stars). 2 submissions from 2 submitters: Likely pathogenic (1); Uncertain significance (1). Last evaluated 2020-05-09.

Conditions:
Kabuki syndrome 2 (KABUK2). Also called: KDM6A-Related Kabuki Syndrome. Identifiers: Orphanet 2322, MedGen C3275495, MONDO:0010465, OMIM 300867.

Allele frequency attached by ClinVar (database versions not stated): gnomAD exomes below 0.00001 and 0.00001.
gnomAD v4.1: 1 of 1,201,369 alleles (0.000083%); highest among the groups gnomAD compares: Non-Finnish European, 0.00011%; no homozygotes.

Submissions (2):

Labcorp Genetics (formerly Invitae), Labcorp
Classification: Likely pathogenic for Kabuki syndrome 2. Last evaluated: 2020-05-09. Review status: criteria provided, single submitter. Criteria: Invitae Variant Classification Sherloc (09022015). Collection method: clinical testing. Allele origin: germline.
Comment: In summary, the currently available evidence indicates that the variant is pathogenic, but additional data are needed to prove that conclusively. Therefore, this variant has been classified as Likely Pathogenic. Donor and acceptor splice site variants typically lead to a loss of protein function (PMID: 16199547), and loss-of-function variants in KDM6A are known to be pathogenic (PMID: 23076834, 23913813). Algorithms developed to predict the effect of sequence changes on RNA splicing suggest that this variant may disrupt the consensus splice site, but this prediction has not been confirmed by published transcriptional studies. This variant has not been reported in the literature in individuals with KDM6A-related conditions. This variant is not present in population databases (ExAC no frequency). This sequence change affects an acceptor splice site in intron 21 of the KDM6A gene. It is expected to disrupt RNA splicing and likely results in an absent or disrupted protein product.

GeneDx
Classification: Uncertain significance. Last evaluated: 2019-05-20. Review status: criteria provided, single submitter. Criteria: GeneDx Variant Classification Process June 2021. Collection method: clinical testing. Allele origin: germline. Affected: yes.
Comment: Canonical splice site variant predicted to result in an in-frame deletion of a critical region (region of Interaction with SUPT6H; and a partial region (1095) of JmjC domain); Has not been previously published as pathogenic or benign to our knowledge

Literature cited by the submitters: PubMed 16199547 (cited by Labcorp Genetics (formerly Invitae), Labcorp); PubMed 23076834 (cited by Labcorp Genetics (formerly Invitae), Labcorp); PubMed 23913813 (cited by Labcorp Genetics (formerly Invitae), Labcorp).